The following is an entry in ClinVar:

NM_012418.4(FSCN2):c.953A>G (p.His318Arg)

Gene: FSCN2 (fascin actin-bundling protein 2, retinal; plus strand). Cytogenetic location: 17q25.3.
Variant type: single nucleotide variant.
Coding change: c.953A>G on transcript NM_012418.4 (MANE Select); coding-DNA position 953, A replaced by G.
Protein change: p.His318Arg; replaces histidine 318 with arginine.
Molecular consequence: missense variant.
Genome position (GRCh38, 1-based): chr17:81,535,178, A>G. VCF-style: chr17-81535178-A-G. GRCh37 (hg19) VCF-style: chr17-79502204-A-G.
Other names: c.953A>G, p.His318Arg (NM_001077182.3); short protein forms H318R.
Identifiers: ClinVar variation 1922893 (VCV001922893.5), dbSNP rs1210468325, ClinGen allele CA401475966.

ClinVar aggregate classification (germline): Uncertain significance (1 of 4 stars; one submission).

gnomAD v4.1: 1 of 1,533,148 alleles (0.000065%); highest among the groups gnomAD compares: African/African-American, 0.0014%; no homozygotes.

Submission:

Labcorp Genetics (formerly Invitae), Labcorp
Classification: Uncertain significance. Last evaluated: 2022-10-17. Review status: criteria provided, single submitter. Criteria: Invitae Variant Classification Sherloc (09022015). Collection method: clinical testing. Allele origin: germline.
Comment: In summary, the available evidence is currently insufficient to determine the role of this variant in disease. Therefore, it has been classified as a Variant of Uncertain Significance. Algorithms developed to predict the effect of missense changes on protein structure and function are either unavailable or do not agree on the potential impact of this missense change (SIFT: "Tolerated"; PolyPhen-2: "Possibly Damaging"; Align-GVGD: "Class C0"). This variant has not been reported in the literature in individuals affected with FSCN2-related conditions. This variant is not present in population databases (gnomAD no frequency). This sequence change replaces histidine, which is basic and polar, with arginine, which is basic and polar, at codon 318 of the FSCN2 protein (p.His318Arg).